The following is an entry in ClinVar:

ClinVar aggregate classification (germline): Uncertain significance (1 of 4 stars; one submission).

Submission:

GeneDx
Classification: Uncertain significance. Last evaluated: 2026-02-26. Review status: criteria provided, single submitter. Criteria: GeneDx Variant Classification Process June 2021. Collection method: clinical testing. Allele origin: germline.
Comment: In silico analysis supports that this missense variant has a deleterious effect on protein structure/function; Has not been previously published as pathogenic or benign to our knowledge

NM_178335.3(CCDC50):c.434A>G (p.Tyr145Cys)

Gene: CCDC50 (coiled-coil domain containing 50; plus strand). Cytogenetic location: 3q28.
Variant type: single nucleotide variant.
Coding change: c.434A>G on transcript NM_178335.3 (MANE Select); coding-DNA position 434, A replaced by G.
Protein change: p.Tyr145Cys; replaces tyrosine 145 with cysteine.
Molecular consequence: missense variant.
Genome position (GRCh38, 1-based): chr3:191,370,022, A>G. VCF-style: chr3-191370022-A-G. GRCh37 (hg19) VCF-style: chr3-191087811-A-G.
Other names: c.434A>G, p.Tyr145Cys (NM_174908.4); short protein forms Y145C.
Identifiers: ClinVar variation 5008079 (VCV005008079.1).